The following is an entry in ClinVar:

NM_000443.4(ABCB4):c.2317-5A>G

Gene: ABCB4 (ATP binding cassette subfamily B member 4; minus strand). Cytogenetic location: 7q21.12.
Variant type: single nucleotide variant.
Coding change: c.2317-5A>G on transcript NM_000443.4 (MANE Select); 5 bases into the intron before coding-DNA position 2317, A replaced by G.
Molecular consequence: intron variant.
Genome position (GRCh38, 1-based): chr7:87,420,080, T>C on the plus strand (A>G on the coding strand, the complement: ABCB4 is on the minus strand). VCF-style: chr7-87420080-T-C. GRCh37 (hg19) VCF-style: chr7-87049396-T-C.
Other names: c.2317-5A>G (NM_018850.3, NM_018849.3).
Identifiers: ClinVar variation 4846349 (VCV004846349.1).

ClinVar aggregate classification (germline): Uncertain significance (1 of 4 stars; one submission).

Conditions:
Familial intrahepatic cholestasis. Identifiers: Orphanet 284385, MedGen CN296401, MONDO:0017290.

Submission:

Genomenon, Inc
Classification: Uncertain significance for Familial intrahepatic cholestasis. Last evaluated: 2026-04-14. Review status: criteria provided, single submitter. Criteria: Genomenon Sequence Variant Interpretation Standards - Updated. Collection method: curation. Allele origin: germline. Affected: yes.
Comment: ABCB4 c.2317-5A>G is an intronic variant located in the acceptor splice region of intron 18. This variant has been observed in at least one proband with an ABCB4-related disorder (PMID:38610052). It is absent or not present at a significant frequency in gnomAD. In silico models predict that this variant is possibly or probably damaging. In conclusion, we classify ABCB4 c.2317-5A>G as a variant of uncertain significance.

Literature cited by the submitters: PubMed 38610052.